The following is an entry in ClinVar:

ClinVar aggregate classification (germline): Benign. Review status: criteria provided, multiple submitters, no conflicts (2 of 4 stars). 5 submissions from 5 submitters: Benign (5). Last evaluated 2026-02-03.

Conditions:
Congenital glucose-galactose malabsorption (GGM). Also called: MONOSACCHARIDE MALABSORPTION; DIARRHEA 16. Identifiers: Orphanet 35710, MedGen C0268186, MONDO:0011731, OMIM 606824.

Allele frequency attached by ClinVar (database versions not stated): 1000 Genomes Project 0.02117; 1000 Genomes Project 30x 0.02327; TOPMed 0.04270; gnomAD 0.04520 and 0.04555; gnomAD exomes 0.04804 and 0.06787; ExAC 0.04946; ESP Exome Variant Server 0.05105.
gnomAD v4.1: 105,378 of 1,613,218 alleles (6.5%); highest among the groups gnomAD compares: Non-Finnish European, 7.7%; 3,926 homozygotes.

Submissions (13):

Labcorp Genetics (formerly Invitae), Labcorp
Classification: Benign for Congenital glucose-galactose malabsorption. Last evaluated: 2026-02-03. Review status: criteria provided, single submitter. Criteria: Invitae Variant Classification Sherloc (09022015). Collection method: clinical testing. Allele origin: germline.

Mayo Clinic Laboratories, Mayo Clinic
Classification: Benign. Last evaluated: 2024-05-07. Review status: criteria provided, single submitter. Criteria: ACMG Guidelines, 2015. Collection method: clinical testing. Allele origin: germline. Observed: 17 variant alleles.
Comment: BA1, BS2

Illumina Laboratory Services, Illumina
Classification: Benign for Congenital glucose-galactose malabsorption. Last evaluated: 2018-03-06. Review status: criteria provided, single submitter. Criteria: ICSL Variant Classification Criteria 13 December 2019. Collection method: clinical testing. Allele origin: germline.
Comment: This variant was observed in the ICSL laboratory as part of a predisposition screen in an ostensibly healthy population. It had not been previously curated by ICSL or reported in the Human Gene Mutation Database (HGMD: prior to June 1st, 2018), and was therefore a candidate for classification through an automated scoring system. Utilizing variant allele frequency, disease prevalence and penetrance estimates, and inheritance mode, an automated score was calculated to assess if this variant is too frequent to cause the disease. Based on the score and internal cut-off values, a variant classified as benign is not then subjected to further curation. The score for this variant resulted in a classification of benign for this disease.

Laboratory for Molecular Medicine, Mass General Brigham Personalized Medicine
Classification: Benign. Last evaluated: 2016-03-28. Review status: criteria provided, single submitter. Criteria: LMM Criteria. Collection method: clinical testing. Allele origin: germline.
Comment: Variant identified in a genome or exome case(s) and assessed due to predicted null impact of the variant or pathogenic assertions in the literature or databases. Disclaimer: This variant has not undergone full assessment. The following are preliminary notes: MAF

Breakthrough Genomics
Classification: Benign. Review status: criteria provided, single submitter. Criteria: ACMG Guidelines, 2015. Collection method: not provided. Allele origin: germline. Inheritance: Autosomal recessive inheritance. Affected: yes.

Dr. Peter K. Rogan Lab, Western University
No classification provided (evidence only). Condition: Colorectal cancer. Review status: no classification provided. Collection method: in vitro. Allele origin: not applicable. Functional consequence: retained intron. Not counted in ClinVar's aggregate classification.

Dr. Peter K. Rogan Lab, Western University
No classification provided (evidence only). Condition: Colorectal cancer. Review status: no classification provided. Collection method: in vitro. Allele origin: not applicable. Functional consequence: retained intron. Not counted in ClinVar's aggregate classification.

Dr. Peter K. Rogan Lab, Western University
No classification provided (evidence only). Condition: Colorectal cancer. Review status: no classification provided. Collection method: in vitro. Allele origin: not applicable. Functional consequence: retained intron. Not counted in ClinVar's aggregate classification.

Dr. Peter K. Rogan Lab, Western University
No classification provided (evidence only). Condition: Uterine corpus endometrial carcinoma. Review status: no classification provided. Collection method: in vitro. Allele origin: not applicable. Functional consequence: retained intron. Not counted in ClinVar's aggregate classification.

Dr. Peter K. Rogan Lab, Western University
No classification provided (evidence only). Condition: Cholangiocarcinoma. Review status: no classification provided. Collection method: in vitro. Allele origin: not applicable. Functional consequence: skipped exon. Not counted in ClinVar's aggregate classification.

Dr. Peter K. Rogan Lab, Western University
No classification provided (evidence only). Condition: Cholangiocarcinoma. Review status: no classification provided. Collection method: in vitro. Allele origin: not applicable. Functional consequence: retained intron. Not counted in ClinVar's aggregate classification.

Dr. Peter K. Rogan Lab, Western University
No classification provided (evidence only). Condition: Cholangiocarcinoma. Review status: no classification provided. Collection method: in vitro. Allele origin: not applicable. Functional consequence: retained intron. Not counted in ClinVar's aggregate classification.

Dr. Peter K. Rogan Lab, Western University
No classification provided (evidence only). Condition: Cholangiocarcinoma. Review status: no classification provided. Collection method: in vitro. Allele origin: not applicable. Functional consequence: retained intron. Not counted in ClinVar's aggregate classification.

NM_000343.4(SLC5A1):c.152A>G (p.Asn51Ser)

Gene: SLC5A1 (solute carrier family 5 member 1; plus strand). Cytogenetic location: 22q12.3.
Variant type: single nucleotide variant.
Coding change: c.152A>G on transcript NM_000343.4 (MANE Select); coding-DNA position 152, A replaced by G.
Protein change: p.Asn51Ser; replaces asparagine 51 with serine.
Molecular consequence: missense variant.
Genome position (GRCh38, 1-based): chr22:32,049,959, A>G. VCF-style: chr22-32049959-A-G. GRCh37 (hg19) VCF-style: chr22-32445946-A-G.
Other names: short protein forms N51S.
Identifiers: ClinVar variation 341236 (VCV000341236.19), dbSNP rs17683011, ClinGen allele CA10197868.